The following is an entry in ClinVar:

ClinVar aggregate classification (germline): Pathogenic (1 of 4 stars; one submission).

Conditions:
Familial thoracic aortic aneurysm and aortic dissection (TAAD). Also called: Thoracic aortic aneurysms and dissections. Identifiers: Orphanet 91387, MedGen C4707243, MONDO:0019625.
Marfan syndrome (MFS). Also called: MARFAN SYNDROME, TYPE I; Marfan syndrome type 1; Marfan's syndrome; Marfan syndrome, classic; FBN1-Related Marfan Syndrome. Identifiers: Orphanet 284963, Orphanet 558, MedGen C0024796, MONDO:0007947, OMIM 154700.

Submission:

Labcorp Genetics (formerly Invitae), Labcorp
Classification: Pathogenic for Marfan syndrome; Familial thoracic aortic aneurysm and aortic dissection. Last evaluated: 2022-03-13. Review status: criteria provided, single submitter. Criteria: Invitae Variant Classification Sherloc (09022015). Collection method: clinical testing. Allele origin: germline.
Comment: This variant is not present in population databases (gnomAD no frequency). For these reasons, this variant has been classified as Pathogenic. This variant has not been reported in the literature in individuals affected with FBN1-related conditions. This sequence change creates a premature translational stop signal (p.Asn1944Metfs*36) in the FBN1 gene. It is expected to result in an absent or disrupted protein product. Loss-of-function variants in FBN1 are known to be pathogenic (PMID: 17657824, 19293843).

Literature cited by the submitters: PubMed 17657824; PubMed 19293843.

NM_000138.5(FBN1):c.5831del (p.Asn1944fs)

Gene: FBN1 (fibrillin 1; minus strand). Cytogenetic location: 15q21.1.
Variant type: Deletion.
Coding change: c.5831del on transcript NM_000138.5 (MANE Select); coding-DNA position 5831, one base deleted (A; older notation c.5831delA).
Protein change: p.Asn1944fs; shifts the reading frame from asparagine 1944.
Molecular consequence: frameshift variant.
Genome position (GRCh38, 1-based): chr15:48,445,462, T deleted on the plus strand (A on the coding strand, the reverse complement: FBN1 is on the minus strand); the first of 3 consecutive T bases (chr15:48,445,462-48,445,464); deleting any one gives the same sequence. VCF-style (leftmost placement, unchanged base first): chr15-48445461-AT-A. GRCh37 (hg19) VCF-style: chr15-48737658-AT-A.
Other names: c.5829delA, p.Asn1944Metfs (NM_001406716.1); short protein forms N1944fs.
Identifiers: ClinVar variation 2056629 (VCV002056629.4), dbSNP rs2043151619, ClinGen allele CA2580089691.